The following is an entry in ClinVar:

ClinVar aggregate classification (germline): Conflicting classifications of pathogenicity. Review status: criteria provided, conflicting classifications (1 of 4 stars). 2 submissions from 2 submitters: Uncertain significance (1); Likely benign (1). Last evaluated 2025-03-04.

Conditions:
Hereditary diffuse gastric adenocarcinoma (HDGC). Also called: DIFFUSE GASTRIC AND LOBULAR BREAST CANCER SYNDROME. Identifiers: Orphanet 26106, MedGen C1708349, MONDO:0007648, OMIM 137215.

Allele frequency attached by ClinVar (database versions not stated): ESP Exome Variant Server 0.00023; gnomAD 0.00029 and 0.00030; TOPMed 0.00032; 1000 Genomes Project 30x 0.00047; 1000 Genomes Project 0.00060.

Submissions (2):

Center for Genomic Medicine, Rigshospitalet, Copenhagen University Hospital
Classification: Likely benign. Last evaluated: 2025-03-04. Review status: criteria provided, single submitter. Criteria: ACMG Guidelines, 2015. Collection method: clinical testing. Allele origin: germline.

European Reference Network on Genetic Tumour Risk Syndromes (ERN-GENTURIS), i3s - Instituto de Investigação e Inovação em Saúde, University of Porto
Classification: Uncertain significance for Hereditary diffuse gastric adenocarcinoma. Last evaluated: 2022-08-01. Review status: criteria provided, single submitter. Criteria: Lee et al. (Hum Mutat. 2018). Collection method: clinical testing. Allele origin: germline. Inheritance: Autosomal dominant inheritance. Affected: no. Study: ERN GENTURIS.
Comment: BS2_Supporting (PMID: 30311375)

Literature cited by the submitters: PubMed 36436516 (cited by European Reference Network on Genetic Tumour Risk Syndromes (ERN-GENTURIS), i3s - Instituto de Investigação e Inovação em Saúde, University of Porto).

NM_004360.5(CDH1):c.1937-25C>A

Gene: CDH1 (cadherin 1; plus strand). Cytogenetic location: 16q22.1.
Variant type: single nucleotide variant.
Coding change: c.1937-25C>A on transcript NM_004360.5 (MANE Select); 25 bases into the intron before coding-DNA position 1937, C replaced by A.
Molecular consequence: intron variant.
Genome position (GRCh38, 1-based): chr16:68,823,374, C>A. VCF-style: chr16-68823374-C-A. GRCh37 (hg19) VCF-style: chr16-68857277-C-A.
Other names: c.1937-25C>A (NM_004360.4); c.389-25C>A (NM_001317185.2); c.-29-25C>A (NM_001317186.2); c.1754-25C>A (NM_001317184.2).
Identifiers: ClinVar variation 1697783 (VCV001697783.8), dbSNP rs201760019, ClinGen allele CA8130174.
Genomic context (GRCh38, chr16:68,823,374, plus strand): 5'-TTTAGTTCACTAGCAATTTTATTCTGGAATGAGCTTTTTATTTTCCTCCCCTGGTCTCAT[C>A]ATTTCTTTTTATTGCTTTCTCCAGCCCAAGAATCTATCATTTTGAAGCCAAAGATGGCCT-3'